The following is an entry in ClinVar:

ClinVar aggregate classification (germline): Conflicting classifications of pathogenicity. Review status: criteria provided, conflicting classifications (1 of 4 stars). 5 submissions from 5 submitters: Uncertain significance (1); Likely benign (2). 2 of the submissions do not count toward it. Last evaluated 2026-01-22.

Conditions:
DNAH5-related disorder. Also called: DNAH5-related condition.
Primary ciliary dyskinesia. Also called: Ciliary dyskinesia. Identifiers: Orphanet 244, MedGen C0008780, MONDO:0016575, HP:0012265.
Primary ciliary dyskinesia 3. Identifiers: Orphanet 244, MedGen C1837618, MONDO:0012085, OMIM 608644.

Allele frequency attached by ClinVar (database versions not stated): gnomAD 0.00014 and 0.00019; TOPMed 0.00027; ExAC 0.00044; gnomAD exomes 0.00050; 1000 Genomes Project 30x 0.00094; 1000 Genomes Project 0.00100.
gnomAD v4.1: 294 of 1,613,738 alleles (0.018%); highest among the groups gnomAD compares: East Asian, 0.59%; no homozygotes.

Submissions (5):

Labcorp Genetics (formerly Invitae), Labcorp
Classification: Likely benign for Primary ciliary dyskinesia. Last evaluated: 2026-01-22. Review status: criteria provided, single submitter. Criteria: Invitae Variant Classification Sherloc (09022015). Collection method: clinical testing. Allele origin: germline.

CeGaT Center for Human Genetics Tuebingen
Classification: Likely benign. Last evaluated: 2023-09-01. Review status: criteria provided, single submitter. Criteria: CeGaT Center For Human Genetics Tuebingen Variant Classification Criteria Version 2. Collection method: clinical testing. Allele origin: germline. Affected: yes. Observed: 1 variant allele.
Comment: DNAH5: BP4

Illumina Laboratory Services, Illumina
Classification: Uncertain significance for Primary ciliary dyskinesia 3. Last evaluated: 2018-01-12. Review status: criteria provided, single submitter. Criteria: ICSL Variant Classification Criteria 13 December 2019. Collection method: clinical testing. Allele origin: germline.

Natera, Inc.
Classification: Uncertain significance for Primary ciliary dyskinesia. Last evaluated: 2020-01-17. Review status: no assertion criteria provided. Collection method: clinical testing. Allele origin: germline. Not counted in ClinVar's aggregate classification.

PreventionGenetics, part of Exact Sciences
Classification: Likely benign for DNAH5-related condition. Last evaluated: 2019-10-22. Review status: no assertion criteria provided. Collection method: clinical testing. Allele origin: germline. Not counted in ClinVar's aggregate classification.
Comment: This variant is classified as likely benign based on ACMG/AMP sequence variant interpretation guidelines (Richards et al. 2015 PMID: 25741868, with internal and published modifications).

NM_001369.3(DNAH5):c.4596+5A>C

Genes: DNAH5 (dynein axonemal heavy chain 5; minus strand), DNAH5-AS1 (DNAH5 antisense RNA 1; plus strand). Cytogenetic location: 5p15.2.
Variant type: single nucleotide variant.
Coding change: c.4596+5A>C on transcript NM_001369.3 (MANE Select); 5 bases into the intron after coding-DNA position 4596, A replaced by C.
Molecular consequence: intron variant.
Genome position (GRCh38, 1-based): chr5:13,864,392, T>G on the plus strand (A>C on the coding strand, the complement: DNAH5 is on the minus strand). VCF-style: chr5-13864392-T-G. GRCh37 (hg19) VCF-style: chr5-13864501-T-G.
Identifiers: ClinVar variation 351124 (VCV000351124.42), dbSNP rs182677317, ClinGen allele CA3203942.